The following is an entry in ClinVar:

NM_001829.4(CLCN3):c.2259C>G (p.Ser753Arg)

Gene: CLCN3 (chloride voltage-gated channel 3; plus strand). Cytogenetic location: 4q33.
Variant type: single nucleotide variant.
Coding change: c.2259C>G on transcript NM_001829.4 (MANE Select); coding-DNA position 2259, C replaced by G.
Protein change: p.Ser753Arg; replaces serine 753 with arginine.
Molecular consequence: missense variant.
Genome position (GRCh38, 1-based): chr4:169,713,188, C>G. VCF-style: chr4-169713188-C-G. GRCh37 (hg19) VCF-style: chr4-170634339-C-G.
Other names: c.2178C>G, p.Ser726Arg (NM_001243372.2, NM_001243374.2); c.2259C>G, p.Ser753Arg (NM_173872.4); short protein forms S726R, S753R.
Identifiers: ClinVar variation 2442581 (VCV002442581.1), dbSNP rs2477158586, ClinGen allele CA358742480.

ClinVar aggregate classification (germline): Uncertain significance (1 of 4 stars; one submission).

Submission:

GeneDx
Classification: Uncertain significance. Last evaluated: 2022-08-31. Review status: criteria provided, single submitter. Criteria: GeneDx Variant Classification Process June 2021. Collection method: clinical testing. Allele origin: germline. Affected: yes.
Comment: Not observed at significant frequency in large population cohorts (gnomAD); In silico analysis supports that this missense variant does not alter protein structure/function; Has not been previously published as pathogenic or benign to our knowledge